The following is an entry in ClinVar:

ClinVar aggregate classification (germline): Uncertain significance (1 of 4 stars; one submission).

Conditions:
Vascular lesions.

Submission:

Clinical Genomics Laboratory, Washington University in St. Louis
Classification: Uncertain significance for Vascular lesions. Last evaluated: 2025-07-23. Review status: criteria provided, single submitter. Criteria: ACMG Guidelines, 2015. Collection method: clinical testing. Allele origin: germline.
Comment: A GJA4 c.604C>T (p.Arg202Cys) variant was identified at a near heterozygous allelic fraction of 48.3%, a frequency which may be consistent with it being of germline origin. This variant, to our knowledge, has not been reported in the medical literature. It is observed on 47/1,614,022 alleles in the general population (gnomAD v4.1.0). Computational predictors indicate that the variant is damaging, evidence that correlates with impact to GJA4 function. Due to limited information, and based on ACMG/AMP guidelines for variant interpretation (Richards S et al., PMID: 25741868), the clinical significance of this variant is uncertain at this time.

NM_002060.3(GJA4):c.604C>T (p.Arg202Cys)

Gene: GJA4 (gap junction protein alpha 4; plus strand). Cytogenetic location: 1p34.3.
Variant type: single nucleotide variant.
Coding change: c.604C>T on transcript NM_002060.3 (MANE Select); coding-DNA position 604, C replaced by T.
Protein change: p.Arg202Cys; replaces arginine 202 with cysteine.
Molecular consequence: missense variant.
Genome position (GRCh38, 1-based): chr1:34,794,817, C>T. VCF-style: chr1-34794817-C-T. GRCh37 (hg19) VCF-style: chr1-35260418-C-T.
Other names: short protein forms R202C.
Identifiers: ClinVar variation 4279851 (VCV004279851.1).